The following is an entry in ClinVar:

NM_000642.3(AGL):c.3584C>T (p.Thr1195Ile)

Gene: AGL (amylo-alpha-1,6-glucosidase and 4-alpha-glucanotransferase; plus strand). Cytogenetic location: 1p21.2.
Variant type: single nucleotide variant.
Coding change: c.3584C>T on transcript NM_000642.3 (MANE Select); coding-DNA position 3584, C replaced by T.
Protein change: p.Thr1195Ile; replaces threonine 1195 with isoleucine.
Molecular consequence: missense variant.
Genome position (GRCh38, 1-based): chr1:99,900,857, C>T. VCF-style: chr1-99900857-C-T. GRCh37 (hg19) VCF-style: chr1-100366413-C-T.
Other names: c.3584C>T, p.Thr1195Ile (NM_000028.3, NM_000643.3, NM_000644.3 and 1 more transcripts); c.3536C>T, p.Thr1179Ile (NM_000646.3); c.3563C>T, p.Thr1188Ile (NM_001425326.1); c.3383C>T, p.Thr1128Ile (NM_001425327.1); c.3380C>T, p.Thr1127Ile (NM_001425328.1); c.3245C>T, p.Thr1082Ile (NM_001425329.1); c.3206C>T, p.Thr1069Ile (NM_001425332.1); short protein forms T1195I, T1179I, T1069I, T1082I, T1127I, T1128I, T1188I.
Identifiers: ClinVar variation 641935 (VCV000641935.7), dbSNP rs148930543, ClinGen allele CA341332989.
Genomic context (GRCh38, chr1:99,900,857, plus strand): 5'-TCAAGTGCCCAGTTTCCAGAATGTATCCTACAGATGATTCTGCTCCTTTGCCTGCTGGCA[C>T]ACTGGTAAAGATATTTCTTAAAATGTTTTTTTGTTTTTTTTTTTTTTTCTGAAAAATGAC-3'
Protein context (NP_000633.2, residues 1185-1205): TDDSAPLPAG[Thr1195Ile]LDQPLFEVIQ

ClinVar aggregate classification (germline): Uncertain significance. Review status: criteria provided, multiple submitters, no conflicts (2 of 4 stars). 2 submissions from 2 submitters: Uncertain significance (2). Last evaluated 2021-09-01.

Conditions:
Glycogen storage disease type III (GSD3). Also called: Cori disease; FORBES DISEASE. Identifiers: Orphanet 366, MedGen C0017922, MONDO:0009291, OMIM 232400.

gnomAD v4.1: 1 of 1,588,980 alleles (0.000063%); highest among the groups gnomAD compares: Admixed American, 0.0017%; no homozygotes.

Submissions (2):

Labcorp Genetics (formerly Invitae), Labcorp
Classification: Uncertain significance for Glycogen storage disease type III. Last evaluated: 2021-09-01. Review status: criteria provided, single submitter. Criteria: Invitae Variant Classification Sherloc (09022015). Collection method: clinical testing. Allele origin: germline.
Comment: This sequence change replaces threonine with isoleucine at codon 1195 of the AGL protein (p.Thr1195Ile). The threonine residue is weakly conserved and there is a moderate physicochemical difference between threonine and isoleucine. This variant is not present in population databases (ExAC no frequency). This variant has not been reported in the literature in individuals affected with AGL-related conditions. Algorithms developed to predict the effect of missense changes on protein structure and function output the following: SIFT: "Tolerated"; PolyPhen-2: "Benign"; Align-GVGD: "Class C0". The isoleucine amino acid residue is found in multiple mammalian species, which suggests that this missense change does not adversely affect protein function. In summary, the available evidence is currently insufficient to determine the role of this variant in disease. Therefore, it has been classified as a Variant of Uncertain Significance.

Blueprint Genetics
Classification: Uncertain significance. Last evaluated: 2020-06-02. Review status: criteria provided, single submitter. Criteria: ACMG Guidelines, 2015. Collection method: clinical testing. Allele origin: germline.